The following is an entry in ClinVar:

NM_178229.5(IQGAP3):c.4268G>A (p.Arg1423His)

Gene: IQGAP3 (IQ motif containing GTPase activating protein 3; minus strand). Cytogenetic location: 1q22.
Variant type: single nucleotide variant.
Coding change: c.4268G>A on transcript NM_178229.5 (MANE Select); coding-DNA position 4268, G replaced by A.
Protein change: p.Arg1423His; replaces arginine 1423 with histidine.
Molecular consequence: missense variant.
Genome position (GRCh38, 1-based): chr1:156,530,241, C>T on the plus strand (G>A on the coding strand, the complement: IQGAP3 is on the minus strand). VCF-style: chr1-156530241-C-T. GRCh37 (hg19) VCF-style: chr1-156500033-C-T.
Other names: short protein forms R1423H.
Identifiers: ClinVar variation 3044968 (VCV003044968.2), dbSNP rs201070239, ClinGen allele CA1160752.
Genomic context (GRCh38, chr1:156,530,241, plus strand): 5'-TTCCGCAGGACGCGCCGCTGCTTCTCTGCCAGTGGCAGGAGGGAGTGAGCTGTCAGTGAG[C>T]GGTGTCGTCGCAGTGGCTCCGGTGTCTGGGCTGTACAGGCCTGGCGTCGGCTCATCAGCT-3'
Protein context (NP_839943.3, residues 1413-1433): AQTPEPLRRH[Arg1423His]SLTAHSLLPL

ClinVar aggregate classification (germline): Likely benign (0 of 4 stars; one submission).

Conditions:
IQGAP3-related disorder. Also called: IQGAP3-related condition.

Allele frequency attached by ClinVar (database versions not stated): gnomAD exomes 0.00009; gnomAD 0.00019; TOPMed 0.00021; ExAC 0.00042; 1000 Genomes Project 30x 0.00047; 1000 Genomes Project 0.00060.

Submission:

PreventionGenetics, part of Exact Sciences
Classification: Likely benign for IQGAP3-related condition. Last evaluated: 2019-05-28. Review status: no assertion criteria provided. Collection method: clinical testing. Allele origin: germline.
Comment: This variant is classified as likely benign based on ACMG/AMP sequence variant interpretation guidelines (Richards et al. 2015 PMID: 25741868, with internal and published modifications).